The following is an entry in ClinVar:

NM_000123.4(ERCC5):c.2341A>G (p.Ile781Val)

Genes: BIVM-ERCC5 (BIVM-ERCC5 readthrough; plus strand), ERCC5 (ERCC excision repair 5, endonuclease; plus strand), LOC126861834 (BRD4-independent group 4 enhancer GRCh37_chr13:103518038-103519237; plus strand). Cytogenetic location: 13q33.1.
Variant type: single nucleotide variant.
Coding change: c.2341A>G on transcript NM_000123.4 (MANE Select); coding-DNA position 2341, A replaced by G.
Protein change: p.Ile781Val; replaces isoleucine 781 with valine.
Molecular consequence: missense variant.
Genome position (GRCh38, 1-based): chr13:102,866,653, A>G. VCF-style: chr13-102866653-A-G. GRCh37 (hg19) VCF-style: chr13-103519003-A-G.
Other names: c.3703A>G, p.Ile1235Val (NM_001204425.2); short protein forms I1235V, I781V.
Identifiers: ClinVar variation 4885789 (VCV004885789.2).

ClinVar aggregate classification (germline): Uncertain significance (1 of 4 stars; one submission).

gnomAD v4.1: 7 of 1,613,648 alleles (0.00043%); highest among the groups gnomAD compares: African/African-American, 0.0013%; no homozygotes.

Submission:

Dasa
Classification: Uncertain significance. Last evaluated: 2025-04-16. Review status: criteria provided, single submitter. Criteria: DASA Assertion Criteria. Collection method: clinical testing. Allele origin: germline.
Comment: NM_000123.4(ERCC5):c.2341A>G (p.Ile781Val) is a missense variant that results in the substitution of isoleucine with valine. This variant is rare in population databases. Computational prediction algorithms are consistent with a benign effect. The currently available literature and clinical evidence are not sufficient to establish a definitive association between this variant and the reported condition. Therefore, this variant is classified as a variant of uncertain significance.